The following is an entry in ClinVar:

NM_001082486.2(ACD):c.750G>C (p.Glu250Asp)

Gene: ACD (ACD shelterin complex subunit and telomerase recruitment factor; minus strand). Cytogenetic location: 16q22.1.
Variant type: single nucleotide variant.
Coding change: c.750G>C on transcript NM_001082486.2 (MANE Select); coding-DNA position 750, G replaced by C.
Protein change: p.Glu250Asp; replaces glutamic acid 250 with aspartic acid.
Molecular consequence: missense variant. On other transcripts: intron variant (1).
Genome position (GRCh38, 1-based): chr16:67,658,634, C>G on the plus strand (G>C on the coding strand, the complement: ACD is on the minus strand). VCF-style: chr16-67658634-C-G. GRCh37 (hg19) VCF-style: chr16-67692537-C-G.
Other names: c.741G>C, p.Glu247Asp (NM_022914.3); c.742+86G>C (NM_001410884.1); short protein forms E247D, E250D.
Identifiers: ClinVar variation 3232627 (VCV003232627.1), dbSNP rs2543601589, ClinGen allele CA396353352.

ClinVar aggregate classification (germline): Uncertain significance (1 of 4 stars; one submission).

Conditions:
Inborn genetic diseases. Identifiers: MedGen C0950123, MeSH D030342.

Submission:

Ambry Genetics
Classification: Uncertain significance for Inborn genetic diseases. Last evaluated: 2023-09-20. Review status: criteria provided, single submitter. Criteria: Ambry Variant Classification Scheme 2023. Collection method: clinical testing. Allele origin: germline.
Comment: The p.E336D variant (also known as c.1008G>C), located in coding exon 9 of the ACD gene, results from a G to C substitution at nucleotide position 1008. The glutamic acid at codon 336 is replaced by aspartic acid, an amino acid with highly similar properties. This amino acid position is conserved. In addition, this alteration is predicted to be tolerated by in silico analysis. Since supporting evidence is limited at this time, the clinical significance of this alteration remains unclear.